The following is an entry in ClinVar:

ClinVar aggregate classification (germline): Uncertain significance. Review status: criteria provided, multiple submitters, no conflicts (2 of 4 stars). 2 submissions from 2 submitters: Uncertain significance (2). Last evaluated 2023-10-05.

Allele frequency attached by ClinVar (database versions not stated): ESP Exome Variant Server 0.00008; TOPMed 0.00001; ExAC 0.00002; gnomAD 0.00002.

Submissions (2):

Ambry Genetics
Classification: Uncertain significance. Last evaluated: 2023-10-05. Review status: criteria provided, single submitter. Criteria: Ambry Variant Classification Scheme 2023. Collection method: clinical testing. Allele origin: germline.

Labcorp Genetics (formerly Invitae), Labcorp
Classification: Uncertain significance. Last evaluated: 2023-01-11. Review status: criteria provided, single submitter. Criteria: Invitae Variant Classification Sherloc (09022015). Collection method: clinical testing. Allele origin: germline.
Comment: This sequence change replaces asparagine, which is neutral and polar, with aspartic acid, which is acidic and polar, at codon 519 of the CCT2 protein (p.Asn519Asp). This variant is present in population databases (rs144551333, gnomAD 0.005%). In summary, the available evidence is currently insufficient to determine the role of this variant in disease. Therefore, it has been classified as a Variant of Uncertain Significance. Algorithms developed to predict the effect of missense changes on protein structure and function (SIFT, PolyPhen-2, Align-GVGD) all suggest that this variant is likely to be tolerated. ClinVar contains an entry for this variant (Variation ID: 1023775). This variant has not been reported in the literature in individuals affected with CCT2-related conditions.

NM_006431.3(CCT2):c.1555A>G (p.Asn519Asp)

Gene: CCT2 (chaperonin containing TCP1 subunit 2; plus strand). Cytogenetic location: 12q15.
Variant type: single nucleotide variant.
Coding change: c.1555A>G on transcript NM_006431.3 (MANE Select); coding-DNA position 1555, A replaced by G.
Protein change: p.Asn519Asp; replaces asparagine 519 with aspartic acid.
Molecular consequence: missense variant.
Genome position (GRCh38, 1-based): chr12:69,599,982, A>G. VCF-style: chr12-69599982-A-G. GRCh37 (hg19) VCF-style: chr12-69993762-A-G.
Other names: c.1414A>G, p.Asn472Asp (NM_001198842.2); c.1555A>G (NM_006431.2); short protein forms N472D, N519D.
Identifiers: ClinVar variation 1023775 (VCV001023775.10), dbSNP rs144551333, ClinGen allele CA6680903.